The following is an entry in ClinVar:

ClinVar aggregate classification (germline): Uncertain significance (1 of 4 stars; one submission).

Conditions:
Familial sleep-related hypermotor epilepsy. Also called: Autosomal Dominant Sleep-Related Hypermotor (Hyperkinetic) Epilepsy. Identifiers: Orphanet 98784, MedGen C3696898, MONDO:0000030.

Submission:

Labcorp Genetics (formerly Invitae), Labcorp
Classification: Uncertain significance. Last evaluated: 2020-09-24. Review status: criteria provided, single submitter. Criteria: Invitae Variant Classification Sherloc (09022015). Collection method: clinical testing. Allele origin: germline.
Comment: In summary, the available evidence is currently insufficient to determine the role of this variant in disease. Therefore, it has been classified as a Variant of Uncertain Significance. Algorithms developed to predict the effect of missense changes on protein structure and function are either unavailable or do not agree on the potential impact of this missense change (SIFT: "Tolerated"; PolyPhen-2: "Possibly Damaging"; Align-GVGD: "Class C0"). This variant has not been reported in the literature in individuals with CHRNA4-related conditions. This variant is not present in population databases (ExAC no frequency). This sequence change replaces glutamine with arginine at codon 172 of the CHRNA4 protein (p.Gln172Arg). The glutamine residue is highly conserved and there is a small physicochemical difference between glutamine and arginine.

NM_000744.7(CHRNA4):c.515A>G (p.Gln172Arg)

Gene: CHRNA4 (cholinergic receptor nicotinic alpha 4 subunit; minus strand). Cytogenetic location: 20q13.33.
Variant type: single nucleotide variant.
Coding change: c.515A>G on transcript NM_000744.7 (MANE Select); coding-DNA position 515, A replaced by G.
Protein change: p.Gln172Arg; replaces glutamine 172 with arginine.
Molecular consequence: missense variant. On other transcripts: 5 prime UTR variant (1), non-coding transcript variant (1).
Genome position (GRCh38, 1-based): chr20:63,350,896, T>C on the plus strand (A>G on the coding strand, the complement: CHRNA4 is on the minus strand). VCF-style: chr20-63350896-T-C. GRCh37 (hg19) VCF-style: chr20-61982248-T-C.
Other names: c.-14A>G (NM_001256573.2); short protein forms Q172R.
Identifiers: ClinVar variation 1035022 (VCV001035022.8), dbSNP rs2068586894, ClinGen allele CA409638212.